The following is an entry in ClinVar:

ClinVar aggregate classification (germline): Uncertain significance (1 of 4 stars; one submission).

gnomAD v4.1: 6 of 1,614,048 alleles (0.00037%); highest among the groups gnomAD compares: East Asian, 0.013%; no homozygotes.

Submission:

Labcorp Genetics (formerly Invitae), Labcorp
Classification: Uncertain significance. Last evaluated: 2025-12-09. Review status: criteria provided, single submitter. Criteria: Invitae Variant Classification Sherloc (09022015). Collection method: clinical testing. Allele origin: germline.
Comment: This sequence change replaces proline, which is neutral and non-polar, with serine, which is neutral and polar, at codon 1204 of the FBN3 protein (p.Pro1204Ser). This variant is present in population databases (rs770030545, gnomAD 0.02%). This variant has not been reported in the literature in individuals affected with FBN3-related conditions. ClinVar contains an entry for this variant (Variation ID: 3605094). Invitae Evidence Modeling of protein sequence and biophysical properties (such as structural, functional, and spatial information, amino acid conservation, physicochemical variation, residue mobility, and thermodynamic stability) indicates that this missense variant is not expected to disrupt FBN3 protein function with a negative predictive value of 80%. In summary, the available evidence is currently insufficient to determine the role of this variant in disease. Therefore, it has been classified as a Variant of Uncertain Significance.

NM_032447.5(FBN3):c.3610C>T (p.Pro1204Ser)

Gene: FBN3 (fibrillin 3; minus strand). Cytogenetic location: 19p13.2.
Variant type: single nucleotide variant.
Coding change: c.3610C>T on transcript NM_032447.5 (MANE Select); coding-DNA position 3610, C replaced by T.
Protein change: p.Pro1204Ser; replaces proline 1204 with serine.
Molecular consequence: missense variant.
Genome position (GRCh38, 1-based): chr19:8,116,776, G>A on the plus strand (C>T on the coding strand, the complement: FBN3 is on the minus strand). VCF-style: chr19-8116776-G-A. GRCh37 (hg19) VCF-style: chr19-8181660-G-A.
Other names: c.3610C>T, p.Pro1204Ser (NM_001321431.2); short protein forms P1204S.
Identifiers: ClinVar variation 3605094 (VCV003605094.2).
Genomic context (GRCh38, chr19:8,116,776, plus strand): 5'-AGCACAGGCAGCGGTGACCCCCTGGCATGTTGGTGCAGTGGCCTTGGTCACAAACGCGGG[G>A]GTTCTCTTCACACTCGTCCACGTCTGGGGGAGCAGGGTTGGGGACTGTGCTTAGCTTTGC-3'
Protein context (NP_115823.3, residues 1194-1214): CADVDECEEN[Pro1204Ser]RVCDQGHCTN